The following is an entry in ClinVar:

NM_001540.5(HSPB1):c.607GCC[1] (p.Ala204del)

Gene: HSPB1 (heat shock protein family B (small) member 1; plus strand). Cytogenetic location: 7q11.23.
Variant type: Microsatellite.
Coding change: c.607GCC[1] on transcript NM_001540.5 (MANE Select); one copy of the 3-base unit GCC starting at c.607; the reference has two copies in a row; one copy, 3 bases deleted.
Protein change: p.Ala204del; deletes alanine 204.
Molecular consequence: inframe deletion.
Genome position (GRCh38, 1-based): chr7:76,304,165-76,304,167, GCC deleted; deleting any 3 consecutive bases within chr7:76,304,162-76,304,167 gives the same sequence; the position shown is the placement nearest the transcript's 3' end. VCF-style (leftmost placement, unchanged base first): chr7-76304161-TGCC-T. GRCh37 (hg19) VCF-style: chr7-75933478-TGCC-T.
Other names: short protein forms A204del.
Identifiers: ClinVar variation 662000 (VCV000662000.1), dbSNP rs1276065076, ClinGen allele CA575585833.

ClinVar aggregate classification (germline): Uncertain significance (1 of 4 stars; one submission).

Conditions:
Charcot-Marie-Tooth disease axonal type 2F (CMT2F). Also called: Charcot-Marie-Tooth Neuropathy Type 2F; CHARCOT-MARIE-TOOTH DISEASE, NEURONAL, TYPE 2F. Identifiers: Orphanet 99940, MedGen C1847823, MONDO:0011687, OMIM 606595.

Submission:

Labcorp Genetics (formerly Invitae), Labcorp
Classification: Uncertain significance for Charcot-Marie-Tooth disease type 2F. Last evaluated: 2018-08-09. Review status: criteria provided, single submitter. Criteria: Invitae Variant Classification Sherloc (09022015). Collection method: clinical testing. Allele origin: germline.
Comment: This variant, c.610_612delGCC, results in the deletion of 1 amino acid of the HSPB1 protein (p.Ala204del), but otherwise preserves the integrity of the reading frame. This variant is not present in population databases (ExAC no frequency). This variant has not been reported in the literature in individuals with HSPB1-related disease. Experimental studies and prediction algorithms are not available for this variant, and the functional significance of the deleted amino acid is currently unknown. In summary, the available evidence is currently insufficient to determine the role of this variant in disease. Therefore, it has been classified as a Variant of Uncertain Significance.